The following is an entry in ClinVar:

ClinVar aggregate classification (germline): Benign (1 of 4 stars; one submission).

Conditions:
Multiple synostoses syndrome 3 (SYNS3). Identifiers: Orphanet 3237, MedGen C2751826, MONDO:0013064, OMIM 612961.

Allele frequency attached by ClinVar (database versions not stated): 1000 Genomes Project 30x 0.00031; 1000 Genomes Project 0.00040; TOPMed 0.00059.

Submission:

Illumina Laboratory Services, Illumina
Classification: Benign for Multiple synostoses syndrome 3. Last evaluated: 2018-01-13. Review status: criteria provided, single submitter. Criteria: ICSL Variant Classification Criteria 13 December 2019. Collection method: clinical testing. Allele origin: germline.
Comment: This variant was observed in the ICSL laboratory as part of a predisposition screen in an ostensibly healthy population. It had not been previously curated by ICSL or reported in the Human Gene Mutation Database (HGMD: prior to June 1st, 2018), and was therefore a candidate for classification through an automated scoring system. Utilizing variant allele frequency, disease prevalence and penetrance estimates, and inheritance mode, an automated score was calculated to assess if this variant is too frequent to cause the disease. Based on the score and internal cut-off values, a variant classified as benign is not then subjected to further curation. The score for this variant resulted in a classification of benign for this disease.

NM_002010.3(FGF9):c.*1604C>G

Gene: FGF9 (fibroblast growth factor 9; plus strand). Cytogenetic location: 13q12.11.
Variant type: single nucleotide variant.
Coding change: c.*1604C>G on transcript NM_002010.3 (MANE Select); 1604 bases downstream of the stop codon, C replaced by G.
Molecular consequence: 3 prime UTR variant.
Genome position (GRCh38, 1-based): chr13:21,703,039, C>G. VCF-style: chr13-21703039-C-G. GRCh37 (hg19) VCF-style: chr13-22277178-C-G.
Identifiers: ClinVar variation 311459 (VCV000311459.5), dbSNP rs111765283, ClinGen allele CA10634021.